The following is an entry in ClinVar:

ClinVar aggregate classification (germline): Likely benign (1 of 4 stars; one submission).

Allele frequency attached by ClinVar (database versions not stated): ExAC 0.00010; gnomAD exomes 0.00015; gnomAD 0.00018; TOPMed 0.00022; ESP Exome Variant Server 0.00023.
gnomAD v4.1: 235 of 1,614,026 alleles (0.015%); highest among the groups gnomAD compares: Non-Finnish European, 0.019%; no homozygotes.

Submission:

CeGaT Center for Human Genetics Tuebingen
Classification: Likely benign. Last evaluated: 2023-04-01. Review status: criteria provided, single submitter. Criteria: CeGaT Center For Human Genetics Tuebingen Variant Classification Criteria Version 2. Collection method: clinical testing. Allele origin: germline. Affected: yes. Observed: 1 variant allele.
Comment: FAT2: BP4, BP7

NM_001447.3(FAT2):c.7809G>A (p.Pro2603=)

Genes: FAT2 (FAT atypical cadherin 2; minus strand), SLC36A1 (solute carrier family 36 member 1; plus strand). Cytogenetic location: 5q33.1.
Variant type: single nucleotide variant.
Coding change: c.7809G>A on transcript NM_001447.3 (MANE Select); coding-DNA position 7809, G replaced by A.
Protein change: p.Pro2603=; no amino-acid change (proline 2603 retained).
Molecular consequence: synonymous variant.
Genome position (GRCh38, 1-based): chr5:151,543,318, C>T on the plus strand (G>A on the coding strand, the complement: FAT2 is on the minus strand). VCF-style: chr5-151543318-C-T. GRCh37 (hg19) VCF-style: chr5-150922879-C-T.
Identifiers: ClinVar variation 2655956 (VCV002655956.24), dbSNP rs368590845, ClinGen allele CA3520898.